The following is an entry in ClinVar:

NM_001322934.2(NFKB2):c.2293+3G>A

Gene: NFKB2 (nuclear factor kappa B subunit 2; plus strand). Cytogenetic location: 10q24.32.
Variant type: single nucleotide variant.
Coding change: c.2293+3G>A on transcript NM_001322934.2 (MANE Select); 3 bases into the intron after coding-DNA position 2293, G replaced by A.
Molecular consequence: intron variant.
Genome position (GRCh38, 1-based): chr10:102,401,521, G>A. VCF-style: chr10-102401521-G-A. GRCh37 (hg19) VCF-style: chr10-104161278-G-A.
Other names: c.2293+3G>A (NM_001288724.1, NM_001077494.3, NM_001261403.3 and 1 more transcripts); c.2167+3G>A (NM_001322935.1).
Identifiers: ClinVar variation 1054394 (VCV001054394.7), dbSNP rs765164173, ClinGen allele CA5665042.

ClinVar aggregate classification (germline): Uncertain significance (1 of 4 stars; one submission).

Conditions:
Immunodeficiency, common variable, 10. Also called: DEFICIT IN ANTERIOR PITUITARY FUNCTION AND VARIABLE IMMUNODEFICIENCY; IMMUNODEFICIENCY, COMMON VARIABLE, WITH CENTRAL ADRENAL INSUFFICIENCY. Identifiers: MedGen C3809991, MONDO:0014260, OMIM 615577.

Allele frequency attached by ClinVar (database versions not stated): gnomAD exomes below 0.00001; TOPMed below 0.00001; gnomAD 0.00001; ExAC 0.00002.

Submission:

Labcorp Genetics (formerly Invitae), Labcorp
Classification: Uncertain significance for Immunodeficiency, common variable, 10. Last evaluated: 2025-07-03. Review status: criteria provided, single submitter. Criteria: Invitae Variant Classification Sherloc (09022015). Collection method: clinical testing. Allele origin: germline.
Comment: This sequence change falls in intron 20 of the NFKB2 gene. It does not directly change the encoded amino acid sequence of the NFKB2 protein. It affects a nucleotide within the consensus splice site. This variant is present in population databases (rs765164173, gnomAD 0.005%). This variant has not been reported in the literature in individuals affected with NFKB2-related conditions. ClinVar contains an entry for this variant (Variation ID: 1054394). Variants that disrupt the consensus splice site are a relatively common cause of aberrant splicing (PMID: 17576681, 9536098). Algorithms developed to predict the effect of sequence changes on RNA splicing suggest that this variant is not likely to affect RNA splicing. In summary, the available evidence is currently insufficient to determine the role of this variant in disease. Therefore, it has been classified as a Variant of Uncertain Significance.

Literature cited by the submitters: PubMed 17576681; PubMed 9536098.